The following is an entry in ClinVar:

NM_014714.4(IFT140):c.4250C>T (p.Pro1417Leu)

Gene: IFT140 (intraflagellar transport 140; minus strand). Cytogenetic location: 16p13.3.
Variant type: single nucleotide variant.
Coding change: c.4250C>T on transcript NM_014714.4 (MANE Select); coding-DNA position 4250, C replaced by T.
Protein change: p.Pro1417Leu; replaces proline 1417 with leucine.
Molecular consequence: missense variant.
Genome position (GRCh38, 1-based): chr16:1,511,083, G>A on the plus strand (C>T on the coding strand, the complement: IFT140 is on the minus strand). VCF-style: chr16-1511083-G-A. GRCh37 (hg19) VCF-style: chr16-1561084-G-A.
Other names: short protein forms P1417L.
Identifiers: ClinVar variation 856649 (VCV000856649.13), dbSNP rs555799779, ClinGen allele CA7812814.

ClinVar aggregate classification (germline): Conflicting classifications of pathogenicity. Review status: criteria provided, conflicting classifications (1 of 4 stars). 3 submissions from 3 submitters: Uncertain significance (2); Likely benign (1). Last evaluated 2026-08-06.

Conditions:
Saldino-Mainzer syndrome (SRTD9). Also called: short-rib thoracic dysplasia 9 with or without polydactyly; Renal dysplasia, retinal pigmentary dystrophy, cerebellar ataxia and skeletal dysplasia; CONORENAL SYNDROME; SHORT-RIB THORACIC DYSPLASIA 9 WITHOUT POLYDACTYLY. Identifiers: Orphanet 140969, MedGen C1849437, MONDO:0009964, OMIM 266920.
IFT140-related disorder. Also called: IFT140-related condition.
Inborn genetic diseases. Identifiers: MedGen C0950123, MeSH D030342.

Allele frequency attached by ClinVar (database versions not stated): gnomAD 0.00005; TOPMed 0.00006; 1000 Genomes Project 30x 0.00016; 1000 Genomes Project 0.00020.
gnomAD v4.1: 46 of 1,610,166 alleles (0.0029%); highest among the groups gnomAD compares: East Asian, 0.018%; no homozygotes.

Submissions (3):

PreventionGenetics, part of Exact Sciences
Classification: Uncertain significance for IFT140-related condition. Last evaluated: 2026-08-06. Review status: criteria provided, single submitter. Criteria: ACMG Guidelines, 2015. Collection method: clinical testing. Allele origin: germline.
Comment: The IFT140 c.4250C>T variant is predicted to result in the amino acid substitution p.Pro1417Leu. To our knowledge, this variant has not been reported in the literature. This variant is present in 0.020% of alleles in individuals of East Asian descent in gnomAD. At this time, the clinical significance of this variant is uncertain due to the absence of conclusive functional and genetic evidence.

Labcorp Genetics (formerly Invitae), Labcorp
Classification: Likely benign for Saldino-Mainzer syndrome. Last evaluated: 2026-01-25. Review status: criteria provided, single submitter. Criteria: Invitae Variant Classification Sherloc (09022015). Collection method: clinical testing. Allele origin: germline.

Ambry Genetics
Classification: Uncertain significance for Inborn genetic diseases. Last evaluated: 2025-08-26. Review status: criteria provided, single submitter. Criteria: Ambry Variant Classification Scheme 2023. Collection method: clinical testing. Allele origin: germline.